The following is an entry in ClinVar:

ClinVar aggregate classification (germline): Uncertain significance (1 of 4 stars; one submission).

Allele frequency attached by ClinVar (database versions not stated): gnomAD exomes 0.00001 and 0.00003; TOPMed 0.00001; ExAC 0.00002.
gnomAD v4.1: 19 of 1,613,730 alleles (0.0012%); highest among the groups gnomAD compares: Admixed American, 0.0067%; no homozygotes.

Submission:

Labcorp Genetics (formerly Invitae), Labcorp
Classification: Uncertain significance. Last evaluated: 2023-12-11. Review status: criteria provided, single submitter. Criteria: Invitae Variant Classification Sherloc (09022015). Collection method: clinical testing. Allele origin: germline.
Comment: This sequence change replaces arginine, which is basic and polar, with tryptophan, which is neutral and slightly polar, at codon 466 of the RNF168 protein (p.Arg466Trp). This variant is present in population databases (rs769195324, gnomAD 0.01%). This variant has not been reported in the literature in individuals affected with RNF168-related conditions. ClinVar contains an entry for this variant (Variation ID: 1350482). An algorithm developed to predict the effect of missense changes on protein structure and function (PolyPhen-2) suggests that this variant is likely to be disruptive. In summary, the available evidence is currently insufficient to determine the role of this variant in disease. Therefore, it has been classified as a Variant of Uncertain Significance.

NM_152617.4(RNF168):c.1396C>T (p.Arg466Trp)

Gene: RNF168 (ring finger protein 168; minus strand). Cytogenetic location: 3q29.
Variant type: single nucleotide variant.
Coding change: c.1396C>T on transcript NM_152617.4 (MANE Select); coding-DNA position 1396, C replaced by T.
Protein change: p.Arg466Trp; replaces arginine 466 with tryptophan.
Molecular consequence: missense variant.
Genome position (GRCh38, 1-based): chr3:196,472,139, G>A on the plus strand (C>T on the coding strand, the complement: RNF168 is on the minus strand). VCF-style: chr3-196472139-G-A. GRCh37 (hg19) VCF-style: chr3-196199010-G-A.
Other names: short protein forms R466W.
Identifiers: ClinVar variation 1350482 (VCV001350482.4), dbSNP rs769195324, ClinGen allele CA2780664.